The following is an entry in ClinVar:

ClinVar aggregate classification (germline): Conflicting classifications of pathogenicity. Review status: criteria provided, conflicting classifications (1 of 4 stars). 8 submissions from 8 submitters: Uncertain significance (5); Likely benign (2). 1 of the submissions does not count toward it. Last evaluated 2026-01-26.

Conditions:
MET-related disorder. Also called: MET-related condition.
Renal cell carcinoma. Identifiers: Orphanet 217071, MedGen C0007134, MeSH D002292, MONDO:0005086, HP:0005584.
Autosomal recessive nonsyndromic hearing loss 97. Also called: Deafness, autosomal recessive 97. Identifiers: Orphanet 90636, MedGen C4084709, MONDO:0014739, OMIM 616705.
Hereditary cancer-predisposing syndrome. Also called: Tumor predisposition; Neoplastic Syndromes, Hereditary; Hereditary neoplastic syndrome; Hereditary Cancer Syndrome. Identifiers: Orphanet 140162, MedGen C0027672, MeSH D009386, MONDO:0015356.

Allele frequency attached by ClinVar (database versions not stated): TOPMed 0.00015; 1000 Genomes Project 30x 0.00016; 1000 Genomes Project 0.00020; gnomAD 0.00011 and 0.00012; gnomAD exomes 0.00001 and 0.00003; ExAC 0.00004; ESP Exome Variant Server 0.00025.
gnomAD v4.1: 31 of 1,614,000 alleles (0.0019%); highest among the groups gnomAD compares: African/African-American, 0.039%; no homozygotes.

Submissions (8):

Labcorp Genetics (formerly Invitae), Labcorp
Classification: Likely benign for Renal cell carcinoma. Last evaluated: 2026-01-26. Review status: criteria provided, single submitter. Criteria: Invitae Variant Classification Sherloc (09022015). Collection method: clinical testing. Allele origin: germline.

GeneDx
Classification: Uncertain significance. Last evaluated: 2024-10-07. Review status: criteria provided, single submitter. Criteria: GeneDx Variant Classification Process June 2021. Collection method: clinical testing. Allele origin: germline. Affected: yes.
Comment: In silico analysis supports that this missense variant has a deleterious effect on protein structure/function; Identified in healthy individuals undergoing whole genome sequencing (PMID: 24728327); This variant is associated with the following publications: (PMID: 24728327)

Quest Diagnostics Nichols Institute San Juan Capistrano
Classification: Uncertain significance. Last evaluated: 2024-06-19. Review status: criteria provided, single submitter. Criteria: Quest Diagnostics criteria. Collection method: clinical testing. Allele origin: unknown.

Baylor Genetics
Classification: Uncertain significance for Autosomal recessive nonsyndromic hearing loss 97. Last evaluated: 2023-09-13. Review status: criteria provided, single submitter. Criteria: ACMG Guidelines, 2015. Collection method: clinical testing. Allele origin: unknown.

PreventionGenetics, part of Exact Sciences
Classification: Uncertain significance for MET-related condition. Last evaluated: 2023-04-05. Review status: criteria provided, single submitter. Criteria: ACMG Guidelines, 2015. Collection method: clinical testing. Allele origin: germline.
Comment: The MET c.289C>G variant is predicted to result in the amino acid substitution p.Pro97Ala. This variant has been observed in a healthy, ancestrally diverse cohort (Table S1, Bodian et al. 2014. PubMed ID: 24728327). This variant is reported in 0.050% of alleles in individuals of African descent in gnomAD and has conflicting interpretations of likely benign and uncertain significance in ClinVar. At this time, the clinical significance of this variant is uncertain due to the absence of conclusive functional and genetic evidence.

Ambry Genetics
Classification: Likely benign for Hereditary cancer-predisposing syndrome. Last evaluated: 2020-04-22. Review status: criteria provided, single submitter. Criteria: Ambry Variant Classification Scheme 2023. Collection method: clinical testing. Allele origin: germline.

Eurofins Ntd Llc (ga)
Classification: Uncertain significance. Last evaluated: 2012-12-11. Review status: criteria provided, single submitter. Criteria: EGL Classification Definitions 2015. Collection method: clinical testing. Allele origin: germline. Observed: 1 variant allele, 1 heterozygote.

ITMI
No classification provided. Condition: AllHighlyPenetrant. Last evaluated: 2013-09-19. Review status: no classification provided. Collection method: reference population. Allele origin: germline. Not counted in ClinVar's aggregate classification.
Comment: Please see associated publication for description of ethnicities

Literature cited by the submitters: PubMed 24728327 (cited by Quest Diagnostics Nichols Institute San Juan Capistrano and ITMI).

NM_000245.4(MET):c.289C>G (p.Pro97Ala)

Gene: MET (MET proto-oncogene, receptor tyrosine kinase; plus strand). Cytogenetic location: 7q31.2.
Variant type: single nucleotide variant.
Coding change: c.289C>G on transcript NM_000245.4 (MANE Select); coding-DNA position 289, C replaced by G.
Protein change: p.Pro97Ala; replaces proline 97 with alanine.
Molecular consequence: missense variant. On other transcripts: intron variant (1).
Genome position (GRCh38, 1-based): chr7:116,699,373, C>G. VCF-style: chr7-116699373-C-G. GRCh37 (hg19) VCF-style: chr7-116339427-C-G.
Other names: c.289C>G, p.Pro97Ala (NM_001127500.3, NM_001324401.3); c.-91+26796C>G (NM_001324402.2); c.289C>G (NM_001127500.2); short protein forms P97A.
Identifiers: ClinVar variation 93571 (VCV000093571.27), dbSNP rs199736573, ClinGen allele CA160427.